The following is an entry in ClinVar:

ClinVar aggregate classification (germline): Uncertain significance (1 of 4 stars; one submission).

Allele frequency attached by ClinVar (database versions not stated): gnomAD exomes below 0.00001; ExAC 0.00002; TOPMed 0.00004; gnomAD 0.00007; 1000 Genomes Project 30x 0.00078; 1000 Genomes Project 0.00080.
gnomAD v4.1: 15 of 1,613,984 alleles (0.00093%); highest among the groups gnomAD compares: African/African-American, 0.017%; no homozygotes.

Submission:

Labcorp Genetics (formerly Invitae), Labcorp
Classification: Uncertain significance. Last evaluated: 2024-03-11. Review status: criteria provided, single submitter. Criteria: Invitae Variant Classification Sherloc (09022015). Collection method: clinical testing. Allele origin: germline.
Comment: This sequence change replaces valine, which is neutral and non-polar, with isoleucine, which is neutral and non-polar, at codon 3096 of the ANK3 protein (p.Val3096Ile). This variant is present in population databases (rs545596119, gnomAD 0.02%). This variant has not been reported in the literature in individuals affected with ANK3-related conditions. ClinVar contains an entry for this variant (Variation ID: 2192540). Advanced modeling of protein sequence and biophysical properties (such as structural, functional, and spatial information, amino acid conservation, physicochemical variation, residue mobility, and thermodynamic stability) performed at Invitae indicates that this missense variant is not expected to disrupt ANK3 protein function with a negative predictive value of 80%. In summary, the available evidence is currently insufficient to determine the role of this variant in disease. Therefore, it has been classified as a Variant of Uncertain Significance.

NM_020987.5(ANK3):c.9286G>A (p.Val3096Ile)

Gene: ANK3 (ankyrin 3; minus strand). Cytogenetic location: 10q21.2.
Variant type: single nucleotide variant.
Coding change: c.9286G>A on transcript NM_020987.5 (MANE Select); coding-DNA position 9286, G replaced by A.
Protein change: p.Val3096Ile; replaces valine 3096 with isoleucine.
Molecular consequence: missense variant. On other transcripts: intron variant (4).
Genome position (GRCh38, 1-based): chr10:60,071,595, C>T on the plus strand (G>A on the coding strand, the complement: ANK3 is on the minus strand). VCF-style: chr10-60071595-C-T. GRCh37 (hg19) VCF-style: chr10-61831353-C-T.
Other names: c.4388-3586G>A (NM_001204403.2); c.4409-3586G>A (NM_001204404.2); c.4406-3586G>A (NM_001320874.2); c.1808-3586G>A (NM_001149.4); short protein forms V3096I.
Identifiers: ClinVar variation 2192540 (VCV002192540.4), dbSNP rs545596119, ClinGen allele CA5511406.